The following is an entry in ClinVar:

ClinVar aggregate classification (germline): Uncertain significance (1 of 4 stars; one submission).

Allele frequency attached by ClinVar (database versions not stated): gnomAD exomes below 0.00001.
gnomAD v4.1: 1 of 1,613,462 alleles (0.000062%); highest among the groups gnomAD compares: Non-Finnish European, 0.000085%; no homozygotes.

Submission:

Labcorp Genetics (formerly Invitae), Labcorp
Classification: Uncertain significance. Last evaluated: 2022-02-20. Review status: criteria provided, single submitter. Criteria: Invitae Variant Classification Sherloc (09022015). Collection method: clinical testing. Allele origin: germline.
Comment: In summary, the available evidence is currently insufficient to determine the role of this variant in disease. Therefore, it has been classified as a Variant of Uncertain Significance. Algorithms developed to predict the effect of missense changes on protein structure and function (SIFT, PolyPhen-2, Align-GVGD) all suggest that this variant is likely to be tolerated. This variant has not been reported in the literature in individuals affected with CACNA1D-related conditions. This variant is not present in population databases (gnomAD no frequency). This sequence change replaces glutamic acid, which is acidic and polar, with lysine, which is basic and polar, at codon 1315 of the CACNA1D protein (p.Glu1315Lys).

NM_001128840.3(CACNA1D):c.3883G>A (p.Glu1295Lys)

Gene: CACNA1D (calcium voltage-gated channel subunit alpha1 D; plus strand). Cytogenetic location: 3p21.1.
Variant type: single nucleotide variant.
Coding change: c.3883G>A on transcript NM_001128840.3 (MANE Select); coding-DNA position 3883, G replaced by A.
Protein change: p.Glu1295Lys; replaces glutamic acid 1295 with lysine.
Molecular consequence: missense variant. On other transcripts: intron variant (1).
Genome position (GRCh38, 1-based): chr3:53,769,985, G>A. VCF-style: chr3-53769985-G-A. GRCh37 (hg19) VCF-style: chr3-53804012-G-A.
Other names: c.3943G>A, p.Glu1315Lys (NM_000720.4); c.3871-439G>A (NM_001128839.3); short protein forms E1295K, E1315K.
Identifiers: ClinVar variation 2100013 (VCV002100013.4), dbSNP rs2474182793, ClinGen allele CA353257232.